The following is an entry in ClinVar:

NM_198075.4(LRRC56):c.1291T>A (p.Ser431Thr)

Gene: LRRC56 (leucine rich repeat containing 56; plus strand). Cytogenetic location: 11p15.5.
Variant type: single nucleotide variant.
Coding change: c.1291T>A on transcript NM_198075.4 (MANE Select); coding-DNA position 1291, T replaced by A.
Protein change: p.Ser431Thr; replaces serine 431 with threonine.
Molecular consequence: missense variant.
Genome position (GRCh38, 1-based): chr11:552,678, T>A. VCF-style: chr11-552678-T-A. GRCh37 (hg19) VCF-style: chr11-552678-T-A.
Other names: c.1291T>A (NM_198075.3); short protein forms S431T.
Identifiers: ClinVar variation 1662645 (VCV001662645.28), dbSNP rs149919024, ClinGen allele CA5780040.

ClinVar aggregate classification (germline): Conflicting classifications of pathogenicity. Review status: criteria provided, conflicting classifications (1 of 4 stars). 6 submissions from 6 submitters: Uncertain significance (1); Likely benign (4). 1 of the submissions does not count toward it. Last evaluated 2026-01-24.

Conditions:
LRRC56-related disorder. Also called: LRRC56-related condition.
Ciliary dyskinesia, primary, 39. Also called: CILIARY DYSKINESIA, PRIMARY, 39, WITH OR WITHOUT SITUS INVERSUS. Identifiers: MedGen C4748841, MONDO:0032637, OMIM 618254.

Allele frequency attached by ClinVar (database versions not stated): 1000 Genomes Project 0.00060; 1000 Genomes Project 30x 0.00078; ESP Exome Variant Server 0.00154; TOPMed 0.00168; gnomAD 0.00200 and 0.00210; gnomAD exomes 0.00214 and 0.00227; ExAC 0.00274.
gnomAD v4.1: 3,583 of 1,608,948 alleles (0.22%); highest among the groups gnomAD compares: Non-Finnish European, 0.26%; 4 homozygotes.

Submissions (6):

Labcorp Genetics (formerly Invitae), Labcorp
Classification: Likely benign. Last evaluated: 2026-01-24. Review status: criteria provided, single submitter. Criteria: Invitae Variant Classification Sherloc (09022015). Collection method: clinical testing. Allele origin: germline.

Blueprint Genetics
Classification: Likely benign. Last evaluated: 2024-11-21. Review status: criteria provided, single submitter. Criteria: ACMG Guidelines, 2015. Collection method: clinical testing. Allele origin: germline.

CeGaT Center for Human Genetics Tuebingen
Classification: Likely benign. Last evaluated: 2024-10-01. Review status: criteria provided, single submitter. Criteria: CeGaT Center For Human Genetics Tuebingen Variant Classification Criteria Version 2. Collection method: clinical testing. Allele origin: germline. Affected: yes. Observed: 1 variant allele.
Comment: LRRC56: BP4, BS2

Revvity Omics, Revvity
Classification: Uncertain significance for Ciliary dyskinesia, primary, 39. Last evaluated: 2021-03-09. Review status: criteria provided, single submitter. Criteria: ACMG Guidelines, 2015. Collection method: clinical testing. Allele origin: germline.

Breakthrough Genomics
Classification: Likely benign. Review status: criteria provided, single submitter. Criteria: ACMG Guidelines, 2015. Collection method: not provided. Allele origin: germline. Inheritance: Autosomal recessive inheritance. Affected: yes.

PreventionGenetics, part of Exact Sciences
Classification: Likely benign for LRRC56-related condition. Last evaluated: 2021-01-08. Review status: no assertion criteria provided. Collection method: clinical testing. Allele origin: germline. Not counted in ClinVar's aggregate classification.
Comment: This variant is classified as likely benign based on ACMG/AMP sequence variant interpretation guidelines (Richards et al. 2015 PMID: 25741868, with internal and published modifications).